The following is an entry in ClinVar:

NM_005529.7(HSPG2):c.2125G>A (p.Asp709Asn)

Gene: HSPG2 (heparan sulfate proteoglycan 2; minus strand). Cytogenetic location: 1p36.12.
Variant type: single nucleotide variant.
Coding change: c.2125G>A on transcript NM_005529.7 (MANE Select); coding-DNA position 2125, G replaced by A.
Protein change: p.Asp709Asn; replaces aspartic acid 709 with asparagine.
Molecular consequence: missense variant.
Genome position (GRCh38, 1-based): chr1:21,880,433, C>T on the plus strand (G>A on the coding strand, the complement: HSPG2 is on the minus strand). VCF-style: chr1-21880433-C-T. GRCh37 (hg19) VCF-style: chr1-22206926-C-T.
Other names: c.2128G>A, p.Asp710Asn (NM_001291860.2); c.2125G>A (NM_005529.5); short protein forms D709N, D710N.
Identifiers: ClinVar variation 1493505 (VCV001493505.7), dbSNP rs745693808, ClinGen allele CA673182.

ClinVar aggregate classification (germline): Uncertain significance. Review status: criteria provided, multiple submitters, no conflicts (2 of 4 stars). 3 submissions from 3 submitters: Uncertain significance (3). Last evaluated 2024-06-03.

Conditions:
Inborn genetic diseases. Identifiers: MedGen C0950123, MeSH D030342.

Allele frequency attached by ClinVar (database versions not stated): gnomAD 0.00001; gnomAD exomes 0.00002 and 0.00003; ExAC 0.00005; TOPMed 0.00005.
gnomAD v4.1: 27 of 1,613,902 alleles (0.0017%); highest among the groups gnomAD compares: African/African-American, 0.008%; no homozygotes.

Submissions (3):

GeneDx
Classification: Uncertain significance. Last evaluated: 2024-06-03. Review status: criteria provided, single submitter. Criteria: GeneDx Variant Classification Process June 2021. Collection method: clinical testing. Allele origin: germline. Affected: yes.
Comment: In silico analysis indicates that this missense variant does not alter protein structure/function; Has not been previously published as pathogenic or benign to our knowledge

Ambry Genetics
Classification: Uncertain significance for Inborn genetic diseases. Last evaluated: 2023-03-23. Review status: criteria provided, single submitter. Criteria: Ambry Variant Classification Scheme 2023. Collection method: clinical testing. Allele origin: germline.

Labcorp Genetics (formerly Invitae), Labcorp
Classification: Uncertain significance. Last evaluated: 2021-08-27. Review status: criteria provided, single submitter. Criteria: Invitae Variant Classification Sherloc (09022015). Collection method: clinical testing. Allele origin: germline.
Comment: This sequence change replaces aspartic acid with asparagine at codon 709 of the HSPG2 protein (p.Asp709Asn). The aspartic acid residue is moderately conserved and there is a small physicochemical difference between aspartic acid and asparagine. The frequency data for this variant in the population databases is considered unreliable, as metrics indicate poor data quality at this position in the ExAC database. This variant has not been reported in the literature in individuals affected with HSPG2-related conditions. Algorithms developed to predict the effect of missense changes on protein structure and function output the following: SIFT: "Tolerated"; PolyPhen-2: "Benign"; Align-GVGD: "Class C0". The asparagine amino acid residue is found in multiple mammalian species, which suggests that this missense change does not adversely affect protein function. In summary, the available evidence is currently insufficient to determine the role of this variant in disease. Therefore, it has been classified as a Variant of Uncertain Significance.